The following is an entry in ClinVar:

ClinVar aggregate classification (germline): Conflicting classifications of pathogenicity. Review status: criteria provided, conflicting classifications (1 of 4 stars). 4 submissions from 4 submitters: Uncertain significance (1); Likely benign (3). Last evaluated 2025-12-23.

Conditions:
RYR1-related disorder. Also called: RYR1-related condition; RYR1-related disorders. Identifiers: MedGen CN239331.
Inborn genetic diseases. Identifiers: MedGen C0950123, MeSH D030342.
Malignant hyperthermia, susceptibility to, 1 (MHS1). Also called: RYR1-Related Malignant Hyperthermia Susceptibility; Malignant hyperthermia suceptibility 1; Anesthesia related hyperthermia; Malignant hyperpyrexia; Fulminating hyperpyrexia; Pharmacogenic myopathy. Identifiers: Orphanet 423, MedGen C2930980, MONDO:0007783, OMIM 145600.

Allele frequency attached by ClinVar (database versions not stated): gnomAD exomes 0.00001 and 0.00007; gnomAD 0.00003 and 0.00004; TOPMed 0.00006; ExAC 0.00007.
gnomAD v4.1: 22 of 1,614,002 alleles (0.0014%); highest among the groups gnomAD compares: East Asian, 0.022%; no homozygotes.

Submissions (4):

Labcorp Genetics (formerly Invitae), Labcorp
Classification: Likely benign for RYR1-related disorder. Last evaluated: 2025-12-23. Review status: criteria provided, single submitter. Criteria: Invitae Variant Classification Sherloc (09022015). Collection method: clinical testing. Allele origin: germline.

All of Us Research Program, National Institutes of Health
Classification: Likely benign for Malignant hyperthermia, susceptibility to, 1. Last evaluated: 2024-08-23. Review status: criteria provided, single submitter. Criteria: ACMG Guidelines, 2015. Collection method: clinical testing. Allele origin: germline. Inheritance: Autosomal dominant inheritance. Observed: 4 variant alleles, 4 heterozygotes.
Comment: This study involves interpretation of variants in research participants for the purpose of population health screening. Participant phenotype was not available at the time of variant classification. Additional details can be found in publication PMID: 35346344, PMCID: PMC8962531

Color Diagnostics, LLC DBA Color Health
Classification: Likely benign for Malignant hyperthermia, susceptibility to, 1. Last evaluated: 2024-05-06. Review status: criteria provided, single submitter. Criteria: ACMG Guidelines, 2015. Collection method: clinical testing. Allele origin: germline.

Ambry Genetics
Classification: Uncertain significance for Inborn genetic diseases. Last evaluated: 2023-12-16. Review status: criteria provided, single submitter. Criteria: Ambry Variant Classification Scheme 2023. Collection method: clinical testing. Allele origin: germline.

NM_000540.3(RYR1):c.9082G>A (p.Gly3028Ser)

Gene: RYR1 (ryanodine receptor 1; plus strand). Cytogenetic location: 19q13.2.
Variant type: single nucleotide variant.
Coding change: c.9082G>A on transcript NM_000540.3 (MANE Select); coding-DNA position 9082, G replaced by A.
Protein change: p.Gly3028Ser; replaces glycine 3028 with serine.
Molecular consequence: missense variant.
Genome position (GRCh38, 1-based): chr19:38,510,741, G>A. VCF-style: chr19-38510741-G-A. GRCh37 (hg19) VCF-style: chr19-39001381-G-A.
Other names: c.9082G>A, p.Gly3028Ser (NM_001042723.2); short protein forms G3028S.
Identifiers: ClinVar variation 646536 (VCV000646536.11), dbSNP rs548280516, ClinGen allele CA073123.